The following is an entry in ClinVar:

ClinVar aggregate classification (germline): Likely benign. Review status: criteria provided, multiple submitters, no conflicts (2 of 4 stars). 3 submissions from 3 submitters: Likely benign (3). Last evaluated 2026-03-01.

gnomAD v4.1: 37 of 1,589,886 alleles (0.0023%); highest among the groups gnomAD compares: African/African-American, 0.019%; no homozygotes.

Submissions (3):

CeGaT Center for Human Genetics Tuebingen
Classification: Likely benign. Last evaluated: 2026-03-01. Review status: criteria provided, single submitter. Criteria: CeGaT Center For Human Genetics Tuebingen Variant Classification Criteria Version 2. Collection method: clinical testing. Allele origin: germline. Affected: yes. Observed: 1 variant allele.
Comment: DOCK6: BP4, BP7

Labcorp Genetics (formerly Invitae), Labcorp
Classification: Likely benign. Last evaluated: 2025-09-27. Review status: criteria provided, single submitter. Criteria: Invitae Variant Classification Sherloc (09022015). Collection method: clinical testing. Allele origin: germline.

Women's Health and Genetics/Laboratory Corporation of America, LabCorp
Classification: Likely benign. Last evaluated: 2025-07-09. Review status: criteria provided, single submitter. Criteria: LabCorp Variant Classification Summary - May 2015. Collection method: clinical testing. Allele origin: germline.

NM_020812.4(DOCK6):c.2307C>T (p.Pro769=)

Gene: DOCK6 (dedicator of cytokinesis 6; minus strand). Cytogenetic location: 19p13.2.
Variant type: single nucleotide variant.
Coding change: c.2307C>T on transcript NM_020812.4 (MANE Select); coding-DNA position 2307, C replaced by T.
Protein change: p.Pro769=; no amino-acid change (proline 769 retained).
Molecular consequence: synonymous variant.
Genome position (GRCh38, 1-based): chr19:11,236,431, G>A on the plus strand (C>T on the coding strand, the complement: DOCK6 is on the minus strand). VCF-style: chr19-11236431-G-A. GRCh37 (hg19) VCF-style: chr19-11347107-G-A.
Other names: c.2307C>T, p.Pro769= (NM_001367830.1).
Identifiers: ClinVar variation 742475 (VCV000742475.11), dbSNP rs527383547, ClinGen allele CA9207669.
Genomic context (GRCh38, chr19:11,236,431, plus strand): 5'-CCTGATGACCAGACGCACGAGCTTGTCCAGCACGTGGTGGGAGAAGGCCACAAGGGGTTC[G>A]GGGCTGGCCAGGCGCAGTGCTGCAAGACTGGCCCGCAGCTCCTGCTCCACGTTGCCCTCG-3'
Protein context (NP_065863.2, residues 759-779): ASLAALRLAS[Pro769=]EPLVAFSHHV